The following is an entry in ClinVar:

NM_152722.5(HEPACAM):c.817C>G (p.Leu273Val)

Gene: HEPACAM (hepatic and glial cell adhesion molecule; minus strand). Cytogenetic location: 11q24.2.
Variant type: single nucleotide variant.
Coding change: c.817C>G on transcript NM_152722.5 (MANE Select); coding-DNA position 817, C replaced by G.
Protein change: p.Leu273Val; replaces leucine 273 with valine.
Molecular consequence: missense variant.
Genome position (GRCh38, 1-based): chr11:124,922,805, G>C on the plus strand (C>G on the coding strand, the complement: HEPACAM is on the minus strand). VCF-style: chr11-124922805-G-C. GRCh37 (hg19) VCF-style: chr11-124792701-G-C.
Other names: short protein forms L273V.
Identifiers: ClinVar variation 1438478 (VCV001438478.8), dbSNP rs765602982, ClinGen allele CA383140021.

ClinVar aggregate classification (germline): Uncertain significance (1 of 4 stars; one submission).

Submission:

Labcorp Genetics (formerly Invitae), Labcorp
Classification: Uncertain significance. Last evaluated: 2021-12-02. Review status: criteria provided, single submitter. Criteria: Invitae Variant Classification Sherloc (09022015). Collection method: clinical testing. Allele origin: germline.
Comment: Algorithms developed to predict the effect of missense changes on protein structure and function (SIFT, PolyPhen-2, Align-GVGD) all suggest that this variant is likely to be tolerated. This variant has not been reported in the literature in individuals affected with HEPACAM-related conditions. This variant is present in population databases (no rsID available, gnomAD 0.01%). This sequence change replaces leucine, which is neutral and non-polar, with valine, which is neutral and non-polar, at codon 273 of the HEPACAM protein (p.Leu273Val). Algorithms developed to predict the effect of sequence changes on RNA splicing suggest that this variant may create or strengthen a splice site. In summary, the available evidence is currently insufficient to determine the role of this variant in disease. Therefore, it has been classified as a Variant of Uncertain Significance.